The following is an entry in ClinVar:

ClinVar aggregate classification (germline): Uncertain significance (1 of 4 stars; one submission).

Submission:

GeneDx
Classification: Uncertain significance. Last evaluated: 2024-05-08. Review status: criteria provided, single submitter. Criteria: GeneDx Variant Classification Process June 2021. Collection method: clinical testing. Allele origin: germline. Affected: yes.
Comment: Not observed at significant frequency in large population cohorts (gnomAD); In-frame insertion of 1 amino acid in a non-repeat region; Has not been previously published as pathogenic or benign to our knowledge

NM_000701.8(ATP1A1):c.360_362dup (p.Thr121_Glu122insThr)

Gene: ATP1A1 (ATPase Na+/K+ transporting subunit alpha 1; plus strand). Cytogenetic location: 1p13.1.
Variant type: Duplication.
Coding change: c.360_362dup on transcript NM_000701.8 (MANE Select); coding-DNA positions 360 to 362, 3 bases duplicated (TAC; older notation c.360_362dupTAC).
Protein change: p.Thr121_Glu122insThr.
Genome position (GRCh38, 1-based): chr1:116,387,464-116,387,466, TAC duplicated; duplicating any 3 consecutive bases within chr1:116,387,463-116,387,466 gives the same sequence; the c. name uses the placement nearest the transcript's 3' end. VCF-style (leftmost placement, unchanged base first): chr1-116387462-G-GCTA. GRCh37 (hg19) VCF-style: chr1-116930084-G-GCTA.
Other names: c.360_362dup, p.Thr121_Glu122insThr (NM_001160233.2); c.267_269dup, p.Thr90_Glu91insThr (NM_001160234.2).
Identifiers: ClinVar variation 3375981 (VCV003375981.1).
Genomic context (GRCh38, chr1:116,387,462, plus strand): 5'-TTCTCAATGTTACTGTGGATTGGAGCGATTCTTTGTTTCTTGGCTTATAGCATCCAAGCT[G>GCTA]CTACAGAAGAGGAACCTCAAAACGATAATGTGAGTTCTGTAATTCAGCATATGGATTTGT-3'